The following is an entry in ClinVar:

ClinVar aggregate classification (germline): Benign/Likely benign. Review status: criteria provided, multiple submitters, no conflicts (2 of 4 stars). 8 submissions from 8 submitters: Benign (1); Likely benign (6). 1 of the submissions does not count toward it. Last evaluated 2026-07-23.

Conditions:
SMARCA4-related disorder. Also called: SMARCA4-related condition.
Hereditary cancer-predisposing syndrome. Also called: Hereditary Cancer Syndrome; Tumor predisposition; Hereditary neoplastic syndrome; Neoplastic Syndromes, Hereditary. Identifiers: Orphanet 140162, MedGen C0027672, MeSH D009386, MONDO:0015356.
Rhabdoid tumor predisposition syndrome 2 (RTPS2). Identifiers: Orphanet 231108, Orphanet 69077, MedGen C2750074, MONDO:0013224, OMIM 613325.

Allele frequency attached by ClinVar (database versions not stated): TOPMed 0.00004; ExAC 0.00002; 1000 Genomes Project 30x 0.00031; gnomAD 0.00006; gnomAD exomes 0.00003; 1000 Genomes Project 0.00020.
gnomAD v4.1: 62 of 1,613,888 alleles (0.0038%); highest among the groups gnomAD compares: Middle Eastern, 0.033%; no homozygotes.

Submissions (8):

Myriad Genetics, Inc.
Classification: Benign for Rhabdoid tumor predisposition syndrome 2. Last evaluated: 2026-07-23. Review status: criteria provided, single submitter. Criteria: Myriad Autosomal Dominant, Autosomal Recessive and X-Linked Classification Criteria (2023). Collection method: clinical testing. Allele origin: unknown.
Comment: This variant is considered benign. This variant is a silent/synonymous amino acid change and it is not expected to impact splicing.

Labcorp Genetics (formerly Invitae), Labcorp
Classification: Likely benign for Rhabdoid tumor predisposition syndrome 2. Last evaluated: 2026-01-19. Review status: criteria provided, single submitter. Criteria: Invitae Variant Classification Sherloc (09022015). Collection method: clinical testing. Allele origin: germline.

Blueprint Genetics
Classification: Likely benign. Last evaluated: 2024-11-13. Review status: criteria provided, single submitter. Criteria: ACMG Guidelines, 2015. Collection method: clinical testing. Allele origin: germline.

Quest Diagnostics Nichols Institute San Juan Capistrano
Classification: Likely benign. Last evaluated: 2023-09-14. Review status: criteria provided, single submitter. Criteria: Quest Diagnostics criteria. Collection method: clinical testing. Allele origin: unknown.

Sema4
Classification: Likely benign for Hereditary cancer-predisposing syndrome. Last evaluated: 2021-06-14. Review status: criteria provided, single submitter. Criteria: Sema4 Curation Guidelines. Collection method: curation. Allele origin: germline.

GeneDx
Classification: Likely benign. Last evaluated: 2020-03-16. Review status: criteria provided, single submitter. Criteria: GeneDx Variant Classification Process June 2021. Collection method: clinical testing. Allele origin: germline. Affected: yes.

Ambry Genetics
Classification: Likely benign for Hereditary cancer-predisposing syndrome. Last evaluated: 2015-11-19. Review status: criteria provided, single submitter. Criteria: Ambry Variant Classification Scheme 2023. Collection method: clinical testing. Allele origin: germline.

PreventionGenetics, part of Exact Sciences
Classification: Likely benign for SMARCA4-related condition. Last evaluated: 2019-07-10. Review status: no assertion criteria provided. Collection method: clinical testing. Allele origin: germline. Not counted in ClinVar's aggregate classification.
Comment: This variant is classified as likely benign based on ACMG/AMP sequence variant interpretation guidelines (Richards et al. 2015 PMID: 25741868, with internal and published modifications).

NM_003072.5(SMARCA4):c.4758C>T (p.Ser1586=)

Gene: SMARCA4 (SWI/SNF related BAF chromatin remodeling complex subunit ATPase 4; plus strand). Cytogenetic location: 19p13.2.
Variant type: single nucleotide variant.
Coding change: c.4758C>T on transcript NM_003072.5 (MANE Select); coding-DNA position 4758, C replaced by T.
Protein change: p.Ser1586=; no amino-acid change (serine 1586 retained).
Molecular consequence: synonymous variant. On other transcripts: non-coding transcript variant (1).
Genome position (GRCh38, 1-based): chr19:11,059,875, C>T. VCF-style: chr19-11059875-C-T. GRCh37 (hg19) VCF-style: chr19-11170551-C-T.
Other names: c.4758C>T, p.Ser1586= (NM_001128844.3); c.4668C>T, p.Ser1556= (NM_001128845.2); c.4665C>T, p.Ser1555= (NM_001128846.2); c.4659C>T, p.Ser1553= (NM_001128847.4, NM_001374457.1); c.4656C>T, p.Ser1552= (NM_001128848.2); c.4854C>T, p.Ser1618= (NM_001128849.3, NM_001387283.1).
Identifiers: ClinVar variation 238489 (VCV000238489.23), dbSNP rs199723473, ClinGen allele CA9204838.